The following is an entry in ClinVar:

NM_000465.4(BARD1):c.1810+8T>G

Gene: BARD1 (BRCA1 associated RING domain 1; minus strand). Cytogenetic location: 2q35.
Variant type: single nucleotide variant.
Coding change: c.1810+8T>G on transcript NM_000465.4 (MANE Select); 8 bases into the intron after coding-DNA position 1810, T replaced by G.
Molecular consequence: intron variant.
Genome position (GRCh38, 1-based): chr2:214,745,714, A>C on the plus strand (T>G on the coding strand, the complement: BARD1 is on the minus strand). VCF-style: chr2-214745714-A-C. GRCh37 (hg19) VCF-style: chr2-215610438-A-C.
Other names: c.400+8T>G (NM_001282548.2); c.1753+8T>G (NM_001282543.2); c.457+8T>G (NM_001282545.2); c.365-15206T>G (NM_001282549.2).
Identifiers: ClinVar variation 3378857 (VCV003378857.1).
Genomic context (GRCh38, chr2:214,745,714, plus strand): 5'-TAGTTCTCCAAAAGGATCATCTATTTAACATTTTTTCTACCCCACCTCCCAAAATTCAAA[A>C]TCCTCACCTGTACTGTCAAACTCAGTATATTTTTTAGCCTTAAGAATTACTGCAAGCTCA-3'

ClinVar aggregate classification (germline): Likely benign (1 of 4 stars; one submission).

Conditions:
Familial cancer of breast. Also called: hereditary breast carcinoma; Hereditary breast cancer; BREAST CANCER, FAMILIAL. Identifiers: Orphanet 227535, MedGen C0346153, MONDO:0016419, OMIM 114480. Disease mechanism: loss of function.

Submission:

Myriad Genetics, Inc.
Classification: Likely benign for Familial cancer of breast. Last evaluated: 2024-07-26. Review status: criteria provided, single submitter. Criteria: Myriad Autosomal Dominant, Autosomal Recessive and X-Linked Classification Criteria (2023). Collection method: clinical testing. Allele origin: unknown.
Comment: This variant is considered likely benign. This variant is intronic and is not expected to impact mRNA splicing.